The following is an entry in ClinVar:

ClinVar aggregate classification (germline): Uncertain significance. Review status: criteria provided, multiple submitters, no conflicts (2 of 4 stars). 2 submissions from 2 submitters: Uncertain significance (2). Last evaluated 2025-12-17.

Conditions:
Frontometaphyseal dysplasia (FMD1). Identifiers: Orphanet 1826, MedGen C0265293, MONDO:0015942.
Heterotopia, periventricular, X-linked dominant (PVNH1). Also called: PERIVENTRICULAR NODULAR HETEROTOPIA 1; X-linked periventricular heterotopia; PERIVENTRICULAR NODULAR HETEROTOPIA 4; HETEROTOPIA, PERIVENTRICULAR, 1. Identifiers: Orphanet 2149, Orphanet 82004, MedGen C1848213, MONDO:0010233, OMIM 300049.
Melnick-Needles syndrome (MNS). Also called: Melnick-Needles Syndrome (FLNA-MNS); MELNICK-NEEDLES OSTEODYSPLASTY; OSTEODYSPLASTY OF MELNICK AND NEEDLES. Identifiers: Orphanet 2484, MedGen C0025237, MONDO:0010650, OMIM 309350.
Oto-palato-digital syndrome, type II (OPD2). Also called: Otopalatodigital Syndrome, Type II; FACIOPALATOOSSEOUS SYNDROME; Otopalatodigital Syndrome Type 2 (FLNA-OPD2); OPD II SYNDROME. Identifiers: Orphanet 669, Orphanet 90652, MedGen C1844696, MONDO:0010571, OMIM 304120.
FLNA-related disorder.

gnomAD v4.1: 1 of 1,210,448 alleles (0.000083%); highest among the groups gnomAD compares: Non-Finnish European, 0.00011%; no homozygotes.

Submissions (2):

PreventionGenetics, part of Exact Sciences
Classification: Uncertain significance for FLNA-related condition. Last evaluated: 2025-12-17. Review status: criteria provided, single submitter. Criteria: ACMG Guidelines, 2015. Collection method: clinical testing. Allele origin: germline.
Comment: The FLNA c.2368A>G variant is predicted to result in the amino acid substitution p.Thr790Ala. To our knowledge, this variant has not been reported in the literature or in a large population database (gnomAD), indicating this variant is rare. At this time, the clinical significance of this variant is uncertain due to the absence of conclusive functional and genetic evidence.

Labcorp Genetics (formerly Invitae), Labcorp
Classification: Uncertain significance for Oto-palato-digital syndrome, type II; Heterotopia, periventricular, X-linked dominant; Frontometaphyseal dysplasia; Melnick-Needles syndrome. Last evaluated: 2025-04-21. Review status: criteria provided, single submitter. Criteria: Invitae Variant Classification Sherloc (09022015). Collection method: clinical testing. Allele origin: germline.
Comment: This sequence change replaces threonine, which is neutral and polar, with alanine, which is neutral and non-polar, at codon 790 of the FLNA protein (p.Thr790Ala). This variant is not present in population databases (gnomAD no frequency). This variant has not been reported in the literature in individuals affected with FLNA-related conditions. Invitae Evidence Modeling of protein sequence and biophysical properties (such as structural, functional, and spatial information, amino acid conservation, physicochemical variation, residue mobility, and thermodynamic stability) indicates that this missense variant is not expected to disrupt FLNA protein function with a negative predictive value of 95%. In summary, the available evidence is currently insufficient to determine the role of this variant in disease. Therefore, it has been classified as a Variant of Uncertain Significance.

NM_001110556.2(FLNA):c.2368A>G (p.Thr790Ala)

Gene: FLNA (filamin A; minus strand). Cytogenetic location: Xq28.
Variant type: single nucleotide variant.
Coding change: c.2368A>G on transcript NM_001110556.2 (MANE Select); coding-DNA position 2368, A replaced by G.
Protein change: p.Thr790Ala; replaces threonine 790 with alanine.
Molecular consequence: missense variant.
Genome position (GRCh38, 1-based): chrX:154,362,697, T>C on the plus strand (A>G on the coding strand, the complement: FLNA is on the minus strand). VCF-style: chrX-154362697-T-C. GRCh37 (hg19) VCF-style: chrX-153591065-T-C.
Other names: c.2368A>G, p.Thr790Ala (NM_001456.4); c.2368A>G (NM_001110556.1); short protein forms T790A.
Identifiers: ClinVar variation 4794941 (VCV004794941.2).
Genomic context (GRCh38, chrX:154,362,697, plus strand): 5'-CTCCCACCCACAGCCAGGCCTTACCCTGGCCAGCCTCGGCGCAGTCCACAGTGAAGTAGG[T>C]GGGCTCGTGGGCCTTGAGCCCTGTCTTGGCTACTCCGGGGCCGTATACTTTGACCTTGTT-3'
Protein context (NP_001104026.1, residues 780-800): AKTGLKAHEP[Thr790Ala]YFTVDCAEAG